The following is an entry in ClinVar:

ClinVar aggregate classification (germline): Likely benign (0 of 4 stars; one submission).

Conditions:
GAB1-related disorder. Also called: GAB1-related condition.

Allele frequency attached by ClinVar (database versions not stated): ESP Exome Variant Server 0.00015; gnomAD exomes 0.00026; gnomAD 0.00044; ExAC 0.00078; TOPMed 0.00096; 1000 Genomes Project 0.00140; 1000 Genomes Project 30x 0.00141.
gnomAD v4.1: 455 of 1,613,900 alleles (0.028%); highest among the groups gnomAD compares: Admixed American, 0.66%; 1 homozygote.

Submission:

PreventionGenetics, part of Exact Sciences
Classification: Likely benign for GAB1-related condition. Last evaluated: 2019-05-28. Review status: no assertion criteria provided. Collection method: clinical testing. Allele origin: germline.
Comment: This variant is classified as likely benign based on ACMG/AMP sequence variant interpretation guidelines (Richards et al. 2015 PMID: 25741868, with internal and published modifications).

NM_002039.4(GAB1):c.1047T>C (p.His349=)

Genes: GAB1 (GRB2 associated binding protein 1; plus strand), LOC126807172 (MED14-independent group 3 enhancer GRCh37_chr4:144358834-144360033; plus strand). Cytogenetic location: 4q31.21.
Variant type: single nucleotide variant.
Coding change: c.1047T>C on transcript NM_002039.4 (MANE Select); coding-DNA position 1047, T replaced by C.
Protein change: p.His349=; no amino-acid change (histidine 349 retained).
Molecular consequence: synonymous variant.
Genome position (GRCh38, 1-based): chr4:143,438,452, T>C. VCF-style: chr4-143438452-T-C. GRCh37 (hg19) VCF-style: chr4-144359605-T-C.
Other names: c.1047T>C, p.His349= (NM_207123.3).
Identifiers: ClinVar variation 3044038 (VCV003044038.2), dbSNP rs201285291, ClinGen allele CA3090539.
Genomic context (GRCh38, chr4:143,438,452, plus strand): 5'-ACAGACATCAAAGCTAGACACTATTCCAGATATTCCTCCACCTCGGCCACCGAAACCACA[T>C]CCAGCTCATGACCGATCTCCTGTGGAAACGTGTAGTATCCCACGCACCGCCTCAGACACT-3'
Protein context (NP_002030.2, residues 339-359): DIPPPRPPKP[His349=]PAHDRSPVET